The following is an entry in ClinVar:

NM_006445.4(PRPF8):c.1799G>A (p.Arg600Gln)

Gene: PRPF8 (pre-mRNA processing factor 8; minus strand). Cytogenetic location: 17p13.3.
Variant type: single nucleotide variant.
Coding change: c.1799G>A on transcript NM_006445.4 (MANE Select); coding-DNA position 1799, G replaced by A.
Protein change: p.Arg600Gln; replaces arginine 600 with glutamine.
Molecular consequence: missense variant.
Genome position (GRCh38, 1-based): chr17:1,678,573, C>T on the plus strand (G>A on the coding strand, the complement: PRPF8 is on the minus strand). VCF-style: chr17-1678573-C-T. GRCh37 (hg19) VCF-style: chr17-1581867-C-T.
Other names: short protein forms R600Q.
Identifiers: ClinVar variation 1944419 (VCV001944419.5), dbSNP rs1303011176, ClinGen allele CA397558298.

ClinVar aggregate classification (germline): Uncertain significance (1 of 4 stars; one submission).

Allele frequency attached by ClinVar (database versions not stated): gnomAD 0.00001; gnomAD exomes 0.00001; TOPMed 0.00002.
gnomAD v4.1: 20 of 1,614,080 alleles (0.0012%); highest among the groups gnomAD compares: Non-Finnish European, 0.0016%; no homozygotes.

Submission:

Labcorp Genetics (formerly Invitae), Labcorp
Classification: Uncertain significance. Last evaluated: 2025-07-02. Review status: criteria provided, single submitter. Criteria: Invitae Variant Classification Sherloc (09022015). Collection method: clinical testing. Allele origin: germline.
Comment: This sequence change replaces arginine, which is basic and polar, with glutamine, which is neutral and polar, at codon 600 of the PRPF8 protein (p.Arg600Gln). This variant is present in population databases (no rsID available, gnomAD no frequency). This variant has not been reported in the literature in individuals affected with PRPF8-related conditions. ClinVar contains an entry for this variant (Variation ID: 1944419). Invitae Evidence Modeling of protein sequence and biophysical properties (such as structural, functional, and spatial information, amino acid conservation, physicochemical variation, residue mobility, and thermodynamic stability) indicates that this missense variant is not expected to disrupt PRPF8 protein function with a negative predictive value of 80%. In summary, the available evidence is currently insufficient to determine the role of this variant in disease. Therefore, it has been classified as a Variant of Uncertain Significance.